The following is an entry in ClinVar:

NM_000843.4(GRM6):c.654G>A (p.Thr218=)

Gene: GRM6 (glutamate metabotropic receptor 6; minus strand). Cytogenetic location: 5q35.3.
Variant type: single nucleotide variant.
Coding change: c.654G>A on transcript NM_000843.4 (MANE Select); coding-DNA position 654, G replaced by A.
Protein change: p.Thr218=; no amino-acid change (threonine 218 retained).
Molecular consequence: synonymous variant.
Genome position (GRCh38, 1-based): chr5:178,991,934, C>T on the plus strand (G>A on the coding strand, the complement: GRM6 is on the minus strand). VCF-style: chr5-178991934-C-T. GRCh37 (hg19) VCF-style: chr5-178418935-C-T.
Identifiers: ClinVar variation 1122513 (VCV001122513.28), dbSNP rs756422865, ClinGen allele CA3594466.

ClinVar aggregate classification (germline): Likely benign. Review status: criteria provided, multiple submitters, no conflicts (2 of 4 stars). 3 submissions from 3 submitters: Likely benign (3). Last evaluated 2024-11-18.

Allele frequency attached by ClinVar (database versions not stated): TOPMed below 0.00001; gnomAD 0.00001 and 0.00002; ExAC 0.00008.
gnomAD v4.1: 69 of 1,613,982 alleles (0.0043%); highest among the groups gnomAD compares: South Asian, 0.064%; 1 homozygote.

Submissions (3):

Blueprint Genetics
Classification: Likely benign. Last evaluated: 2024-11-18. Review status: criteria provided, single submitter. Criteria: ACMG Guidelines, 2015. Collection method: clinical testing. Allele origin: germline.

CeGaT Center for Human Genetics Tuebingen
Classification: Likely benign. Last evaluated: 2024-06-01. Review status: criteria provided, single submitter. Criteria: CeGaT Center For Human Genetics Tuebingen Variant Classification Criteria Version 2. Collection method: clinical testing. Allele origin: germline. Affected: yes. Observed: 1 variant allele.
Comment: GRM6: BP4, BP7

Labcorp Genetics (formerly Invitae), Labcorp
Classification: Likely benign. Last evaluated: 2024-05-27. Review status: criteria provided, single submitter. Criteria: Invitae Variant Classification Sherloc (09022015). Collection method: clinical testing. Allele origin: germline.